The following is an entry in ClinVar:

ClinVar aggregate classification (germline): Uncertain significance (1 of 4 stars; one submission).

Conditions:
Cardiovascular phenotype. Identifiers: MedGen CN230736.

gnomAD v4.1: 1 of 1,614,058 alleles (0.000062%); highest among the groups gnomAD compares: Non-Finnish European, 0.000085%; no homozygotes.

Submission:

Ambry Genetics
Classification: Uncertain significance for Cardiovascular phenotype. Last evaluated: 2026-08-29. Review status: criteria provided, single submitter. Criteria: Ambry Variant Classification Scheme 2023. Collection method: clinical testing. Allele origin: germline.
Comment: The p.T861I variant (also known as c.2582C>T), located in coding exon 17 of the ABCA1 gene, results from a C to T substitution at nucleotide position 2582. The threonine at codon 861 is replaced by isoleucine, an amino acid with similar properties. This amino acid position is conserved. In addition, the in silico prediction for this alteration is inconclusive. Based on the available evidence, the clinical significance of this variant remains unclear.

NM_005502.4(ABCA1):c.2582C>T (p.Thr861Ile)

Gene: ABCA1 (ATP binding cassette subfamily A member 1; minus strand). Cytogenetic location: 9q31.1.
Variant type: single nucleotide variant.
Coding change: c.2582C>T on transcript NM_005502.4 (MANE Select); coding-DNA position 2582, C replaced by T.
Protein change: p.Thr861Ile; replaces threonine 861 with isoleucine.
Molecular consequence: missense variant.
Genome position (GRCh38, 1-based): chr9:104,824,539, G>A on the plus strand (C>T on the coding strand, the complement: ABCA1 is on the minus strand). VCF-style: chr9-104824539-G-A. GRCh37 (hg19) VCF-style: chr9-107586820-G-A.
Other names: short protein forms T861I.
Identifiers: ClinVar variation 5034025 (VCV005034025.1).